The following is an entry in ClinVar:

ClinVar aggregate classification (germline): Uncertain significance. Review status: criteria provided, multiple submitters, no conflicts (2 of 4 stars). 2 submissions from 2 submitters: Uncertain significance (2). Last evaluated 2026-02-25.

Conditions:
Hereditary factor X deficiency disease. Also called: Congenital factor X deficiency; STUART-PROWER FACTOR DEFICIENCY. Identifiers: Orphanet 328, MedGen C0272327, MONDO:0009212, OMIM 227600.

Allele frequency attached by ClinVar (database versions not stated): gnomAD exomes below 0.00001.
gnomAD v4.1: 5 of 1,613,522 alleles (0.00031%); highest among the groups gnomAD compares: Middle Eastern, 0.016%; no homozygotes.

Submissions (2):

GeneDx
Classification: Uncertain significance. Last evaluated: 2026-02-25. Review status: criteria provided, single submitter. Criteria: GeneDx Variant Classification Process June 2021. Collection method: clinical testing. Allele origin: germline.
Comment: Not observed at significant frequency in large population cohorts (gnomAD); In silico analysis suggests that this missense variant does not alter protein structure/function; Has not been previously published as pathogenic or benign to our knowledge

Illumina Laboratory Services, Illumina
Classification: Uncertain significance for Hereditary factor X deficiency disease. Last evaluated: 2018-01-13. Review status: criteria provided, single submitter. Criteria: ICSL Variant Classification Criteria 13 December 2019. Collection method: clinical testing. Allele origin: germline.

NM_000504.4(F10):c.916G>A (p.Glu306Lys)

Genes: F10-AS2 (F10 antisense RNA 2; minus strand), F10 (coagulation factor X; plus strand). Cytogenetic location: 13q34.
Variant type: single nucleotide variant.
Coding change: c.916G>A on transcript NM_000504.4 (MANE Select); coding-DNA position 916, G replaced by A.
Protein change: p.Glu306Lys; replaces glutamic acid 306 with lysine.
Molecular consequence: missense variant. On other transcripts: nonsense (1).
Genome position (GRCh38, 1-based): chr13:113,148,966, G>A. VCF-style: chr13-113148966-G-A. GRCh37 (hg19) VCF-style: chr13-113803280-G-A.
Other names: c.784G>A, p.Glu262Lys (NM_001312674.2); c.906G>A, p.Trp302Ter (NM_001312675.2); short protein forms E306K, E262K, W302*.
Identifiers: ClinVar variation 883935 (VCV000883935.6), dbSNP rs1366354349, ClinGen allele CA388791846.
Genomic context (GRCh38, chr13:113,148,966, plus strand): 5'-TCTGTCCCAGGGGACCGGAACACGGAGCAGGAGGAGGGCGGTGAGGCGGTGCACGAGGTG[G>A]AGGTGGTCATCAAGCACAACCGGTTCACAAAGGAGACCTATGACTTCGACATCGCCGTGC-3'
Protein context (NP_000495.1, residues 296-316): EEGGEAVHEV[Glu306Lys]VVIKHNRFTK